The following is an entry in ClinVar:

ClinVar aggregate classification (germline): Benign/Likely benign. Review status: criteria provided, multiple submitters, no conflicts (2 of 4 stars). 11 submissions from 11 submitters: Benign (10); Likely benign (1). Last evaluated 2026-02-04.

Conditions:
Aicardi-Goutieres syndrome 4. Identifiers: Orphanet 51, MedGen C1835912, MONDO:0012472, OMIM 610333.

Allele frequency attached by ClinVar (database versions not stated): gnomAD exomes 0.03618 and 0.04672; 1000 Genomes Project 0.06290; ESP Exome Variant Server 0.06378; ExAC 0.06658; gnomAD 0.06676 and 0.06936; 1000 Genomes Project 30x 0.06886; TOPMed 0.07446.
gnomAD v4.1: 61,814 of 1,570,774 alleles (3.9%); highest among the groups gnomAD compares: African/African-American, 15%; 1,884 homozygotes.

Submissions (11):

Labcorp Genetics (formerly Invitae), Labcorp
Classification: Benign for Aicardi-Goutieres syndrome 4. Last evaluated: 2026-02-04. Review status: criteria provided, single submitter. Criteria: Invitae Variant Classification Sherloc (09022015). Collection method: clinical testing. Allele origin: germline.

Women's Health and Genetics/Laboratory Corporation of America, LabCorp
Classification: Benign. Last evaluated: 2026-01-21. Review status: criteria provided, single submitter. Criteria: LabCorp Variant Classification Summary - May 2015. Collection method: clinical testing. Allele origin: germline.

Blueprint Genetics
Classification: Likely benign. Last evaluated: 2024-11-28. Review status: criteria provided, single submitter. Criteria: ACMG Guidelines, 2015. Collection method: clinical testing. Allele origin: germline.

Mayo Clinic Laboratories, Mayo Clinic
Classification: Benign. Last evaluated: 2022-09-06. Review status: criteria provided, single submitter. Criteria: ACMG Guidelines, 2015. Collection method: clinical testing. Allele origin: germline. Observed: 59 variant alleles.

Illumina Laboratory Services, Illumina
Classification: Benign for Aicardi-Goutieres syndrome 4. Last evaluated: 2018-01-13. Review status: criteria provided, single submitter. Criteria: ICSL Variant Classification Criteria 13 December 2019. Collection method: clinical testing. Allele origin: germline.
Comment: This variant was observed in the ICSL laboratory as part of a predisposition screen in an ostensibly healthy population. It had not been previously curated by ICSL or reported in the Human Gene Mutation Database (HGMD: prior to June 1st, 2018), and was therefore a candidate for classification through an automated scoring system. Utilizing variant allele frequency, disease prevalence and penetrance estimates, and inheritance mode, an automated score was calculated to assess if this variant is too frequent to cause the disease. Based on the score and internal cut-off values, a variant classified as benign is not then subjected to further curation. The score for this variant resulted in a classification of benign for this disease.

Genome Diagnostics Laboratory, University Medical Center Utrecht
Classification: Benign for Aicardi-Goutieres syndrome 4. Last evaluated: 2017-07-28. Review status: criteria provided, single submitter. Criteria: ACGS Guidelines, 2013. Collection method: clinical testing. Allele origin: germline. Affected: yes. Study: VKGL Data-share Consensus.

Laboratory for Molecular Medicine, Mass General Brigham Personalized Medicine
Classification: Benign. Last evaluated: 2016-03-29. Review status: criteria provided, single submitter. Criteria: LMM Criteria. Collection method: clinical testing. Allele origin: germline.
Comment: Variant identified in a genome or exome case(s) and assessed due to predicted null impact of the variant or pathogenic assertions in the literature or databases. Disclaimer: This variant has not undergone full assessment. The following are preliminary notes: Frequency

Clinical Genetics DNA and cytogenetics Diagnostics Lab, Erasmus MC, Erasmus Medical Center
Classification: Benign for Aicardi-Goutieres syndrome 4. Last evaluated: 2015-09-21. Review status: criteria provided, single submitter. Criteria: ACGS Guidelines, 2013. Collection method: clinical testing. Allele origin: germline. Affected: yes. Study: VKGL Data-share Consensus.

GeneDx
Classification: Benign. Last evaluated: 2015-03-03. Review status: criteria provided, single submitter. Criteria: GeneDx Variant Classification Process June 2021. Collection method: clinical testing. Allele origin: germline. Affected: yes.

Breakthrough Genomics
Classification: Benign. Review status: criteria provided, single submitter. Criteria: ACMG Guidelines, 2015. Collection method: not provided. Allele origin: germline. Inheritance: Autosomal recessive inheritance. Affected: yes.

PreventionGenetics, part of Exact Sciences
Classification: Benign. Review status: criteria provided, single submitter. Criteria: ACMG Guidelines, 2015. Collection method: clinical testing. Allele origin: germline.

NM_006397.3(RNASEH2A):c.33A>G (p.Thr11=)

Genes: RNASEH2A (ribonuclease H2 subunit A; plus strand), LOC117038795 (CRISPRi-FlowFISH-validated PRDX2 regulatory element 4; plus strand). Cytogenetic location: 19p13.13.
Variant type: single nucleotide variant.
Coding change: c.33A>G on transcript NM_006397.3 (MANE Select); coding-DNA position 33, A replaced by G.
Protein change: p.Thr11=; no amino-acid change (threonine 11 retained).
Molecular consequence: synonymous variant.
Genome position (GRCh38, 1-based): chr19:12,806,706, A>G. VCF-style: chr19-12806706-A-G. GRCh37 (hg19) VCF-style: chr19-12917520-A-G.
Other names: p.Thr11=.
Identifiers: ClinVar variation 259971 (VCV000259971.25), dbSNP rs11554400, ClinGen allele CA9231709.